The following is an entry in ClinVar:

ClinVar aggregate classification (germline): Pathogenic (1 of 4 stars; one submission).

Submission:

Labcorp Genetics (formerly Invitae), Labcorp
Classification: Pathogenic. Last evaluated: 2017-07-24. Review status: criteria provided, single submitter. Criteria: Invitae Variant Classification Sherloc (09022015). Collection method: clinical testing. Allele origin: germline.
Comment: Loss-of-function variants in KIAA2022 are known to be pathogenic (PMID: 23615299). This variant has not been reported in the literature in individuals with KIAA2022-related disease. This variant is not present in population databases (ExAC no frequency). This sequence change creates a premature translational stop signal (p.Ser1004Ilefs*5) in the KIAA2022 gene. It is expected to result in an absent or disrupted protein product. For these reasons, this variant has been classified as Pathogenic.

Literature cited by the submitters: PubMed 23615299.

NM_001008537.3(NEXMIF):c.3011_3014del (p.Ser1004fs)

Gene: NEXMIF (neurite extension and migration factor; minus strand). Cytogenetic location: Xq13.3.
Variant type: Deletion.
Coding change: c.3011_3014del on transcript NM_001008537.3 (MANE Select); coding-DNA positions 3011 to 3014, 4 bases deleted (GTAA; older notation c.3011_3014delGTAA).
Protein change: p.Ser1004fs; shifts the reading frame from serine 1004.
Molecular consequence: frameshift variant.
Genome position (GRCh38, 1-based): chrX:74,741,543-74,741,546, TTAC deleted on the plus strand (GTAA on the coding strand, the reverse complement: NEXMIF is on the minus strand); deleting any 4 consecutive bases within chrX:74,741,543-74,741,548 gives the same sequence; the c. name uses the placement nearest the transcript's 3' end. VCF-style (leftmost placement, unchanged base first): chrX-74741542-ATTAC-A. GRCh37 (hg19) VCF-style: chrX-73961377-ATTAC-A.
Other names: short protein forms S1004fs.
Identifiers: ClinVar variation 474068 (VCV000474068.8), dbSNP rs1556016381, ClinGen allele CA658659015.
Genomic context (GRCh38, chrX:74,741,542, plus strand): 5'-GTCATCAGTGATATCATCATCGCCATCCTTTTCACAGGACTTCAAGCTTAAGGAGCAATA[ATTAC>A]TTGAGCTGACAGAGAGTGGGGCCATTGAATCAAAGCTAAAGAGCCGACCATCATCCATAT-3'